The following is an entry in ClinVar:

NM_001367479.1(DNAH14):c.11884G>A (p.Asp3962Asn)

Gene: DNAH14 (dynein axonemal heavy chain 14; plus strand). Cytogenetic location: 1q42.12.
Variant type: single nucleotide variant.
Coding change: c.11884G>A on transcript NM_001367479.1 (MANE Select); coding-DNA position 11884, G replaced by A.
Protein change: p.Asp3962Asn; replaces aspartic acid 3962 with asparagine.
Molecular consequence: missense variant.
Genome position (GRCh38, 1-based): chr1:225,360,788, G>A. VCF-style: chr1-225360788-G-A. GRCh37 (hg19) VCF-style: chr1-225548490-G-A.
Other names: NM_001373.1:c.11605G>A; short protein forms D3962N.
Identifiers: ClinVar variation 4980693 (VCV004980693.1).

ClinVar aggregate classification (germline): Uncertain significance (1 of 4 stars; one submission).

Conditions:
DNAH14-related disorder. Also called: DNAH14-related condition.

gnomAD v4.1: 42 of 1,551,702 alleles (0.0027%); highest among the groups gnomAD compares: African/African-American, 0.042%; no homozygotes.

Submission:

PreventionGenetics, part of Exact Sciences
Classification: Uncertain significance for DNAH14-related condition. Last evaluated: 2025-05-22. Review status: criteria provided, single submitter. Criteria: ACMG Guidelines, 2015. Collection method: clinical testing. Allele origin: germline.
Comment: The DNAH14 c.11605G>A variant is predicted to result in the amino acid substitution p.Asp3869Asn. To our knowledge, this variant has not been reported in the literature. This variant is reported in 0.042% of alleles in individuals of African descent in gnomAD. At this time, the clinical significance of this variant is uncertain due to the absence of conclusive functional and genetic evidence.